The following is an entry in ClinVar:

NC_000016.9:g.(?_47495262)_(47621694_?)del

Gene: PHKB (phosphorylase kinase regulatory subunit beta; plus strand). Cytogenetic location: 16q12.1.
Variant type: Deletion.
Identifiers: ClinVar variation 3243381 (VCV003243381.1).

ClinVar aggregate classification (germline): Pathogenic (1 of 4 stars; one submission).

Conditions:
Glycogen storage disease IXb (GSD9B). Also called: GLYCOGENOSIS OF LIVER AND MUSCLE, AUTOSOMAL RECESSIVE; GSD IXb; PHOSPHORYLASE KINASE DEFICIENCY OF LIVER AND MUSCLE, AUTOSOMAL RECESSIVE. Identifiers: Orphanet 79240, MedGen C0543514, MONDO:0009868, OMIM 261750.

Submission:

Labcorp Genetics (formerly Invitae), Labcorp
Classification: Pathogenic for Glycogen storage disease IXb. Last evaluated: 2023-03-01. Review status: criteria provided, single submitter. Criteria: Invitae Variant Classification Sherloc (09022015). Collection method: clinical testing. Allele origin: unknown.
Comment: This variant is a gross deletion of the genomic region encompassing exon(s) 1-9 of the PHKB gene, which includes the initiator codon. This deletion extends beyond the assayed region for this gene and therefore may encompass additional genes. It is expected to result in an absent or disrupted protein product. Loss-of-function variants in PHKB are known to be pathogenic (PMID: 9215682, 9326319). This variant has not been reported in the literature in individuals affected with PHKB-related conditions. For these reasons, this variant has been classified as Pathogenic.

Literature cited by the submitters: PubMed 9215682; PubMed 9326319.